The following is an entry in ClinVar:

ClinVar aggregate classification (germline): Conflicting classifications of pathogenicity. Review status: criteria provided, conflicting classifications (1 of 4 stars). 2 submissions from 2 submitters: Uncertain significance (1); Likely benign (1). Last evaluated 2026-01-12.

Conditions:
Hereditary spastic paraplegia 7 (SPG7). Also called: Autosomal recessive spastic paraplegia type 7; Spastic paraplegia 7; Hereditary spastic paraplegia Paraplegin type; SPASTIC PARAPLEGIA 7, AUTOSOMAL RECESSIVE, WITH OR WITHOUT CEREBELLAR ATAXIA; SPG7-related neurologic disorder. Identifiers: Orphanet 99013, MedGen C1846564, MONDO:0011803, OMIM 607259.

Allele frequency attached by ClinVar (database versions not stated): gnomAD exomes 0.00006; ExAC 0.00002; gnomAD 0.00002; TOPMed 0.00004.
gnomAD v4.1: 40 of 1,613,142 alleles (0.0025%); highest among the groups gnomAD compares: Admixed American, 0.02%; no homozygotes.

Submissions (2):

Labcorp Genetics (formerly Invitae), Labcorp
Classification: Uncertain significance for Hereditary spastic paraplegia 7. Last evaluated: 2026-01-12. Review status: criteria provided, single submitter. Criteria: Invitae Variant Classification Sherloc (09022015). Collection method: clinical testing. Allele origin: germline.
Comment: This sequence change replaces aspartic acid, which is acidic and polar, with asparagine, which is neutral and polar, at codon 135 of the SPG7 protein (p.Asp135Asn). This variant is present in population databases (rs767820132, gnomAD 0.03%). This variant has not been reported in the literature in individuals affected with SPG7-related conditions. ClinVar contains an entry for this variant (Variation ID: 215185). Invitae Evidence Modeling of protein sequence and biophysical properties (such as structural, functional, and spatial information, amino acid conservation, physicochemical variation, residue mobility, and thermodynamic stability) indicates that this missense variant is not expected to disrupt SPG7 protein function with a negative predictive value of 80%. In summary, the available evidence is currently insufficient to determine the role of this variant in disease. Therefore, it has been classified as a Variant of Uncertain Significance.

GeneDx
Classification: Likely benign. Last evaluated: 2014-09-26. Review status: criteria provided, single submitter. Criteria: GeneDx Variant Classification (06012015). Collection method: clinical testing. Allele origin: germline. Affected: yes.
Comment: This variant is considered likely benign or benign based on one or more of the following criteria: it is a conservative change, it occurs at a poorly conserved position in the protein, it is predicted to be benign by multiple in silico algorithms, and/or has population frequency not consistent with disease.

NM_003119.4(SPG7):c.403G>A (p.Asp135Asn)

Gene: SPG7 (SPG7 matrix AAA peptidase subunit, paraplegin; plus strand). Cytogenetic location: 16q24.3.
Variant type: single nucleotide variant.
Coding change: c.403G>A on transcript NM_003119.4 (MANE Select); coding-DNA position 403, G replaced by A.
Protein change: p.Asp135Asn; replaces aspartic acid 135 with asparagine.
Molecular consequence: missense variant.
Genome position (GRCh38, 1-based): chr16:89,524,032, G>A. VCF-style: chr16-89524032-G-A. GRCh37 (hg19) VCF-style: chr16-89590440-G-A.
Other names: p.D135N:GAC>AAC; c.403G>A, p.Asp135Asn (NM_001363850.1, NM_199367.3); short protein forms D135N.
Identifiers: ClinVar variation 215185 (VCV000215185.6), dbSNP rs767820132, ClinGen allele CA322399.
Genomic context (GRCh38, chr16:89,524,032, plus strand): 5'-TTTGTTTCTCCCTTTTGCTTCTCTGCCGGCTCAGAGGAGAGGAGACGCCGTGAGCGGGAC[G>A]ACCAGATGTACCGAGAGCGGCTGCGCACCTTGCTGGTCATCGCGGTTGTCATGAGCCTCC-3'
Protein context (NP_003110.1, residues 125-145): EEERRRRERD[Asp135Asn]QMYRERLRTL